The following is an entry in ClinVar:

NC_000017.10:g.(?_8131498)_(8285628_?)dup

Genes: ARHGEF15 (Rho guanine nucleotide exchange factor 15; plus strand), CTC1 (CST telomere replication complex component 1; minus strand), KRABD2 (KRAB domain containing 2; minus strand), ODF4 (outer dense fiber of sperm tails 4; plus strand), PFAS (phosphoribosylformylglycinamidine synthase; plus strand) and 3 more. Cytogenetic location: 17p13.1.
Variant type: Duplication.
Identifiers: ClinVar variation 1441447 (VCV001441447.10).

ClinVar aggregate classification (germline): Uncertain significance. Review status: criteria provided, single submitter (1 of 4 stars). 2 submissions from 1 submitter: Uncertain significance (2). Last evaluated 2022-10-18.

Conditions:
Dyskeratosis congenita. Identifiers: Orphanet 1775, MedGen C0265965, MONDO:0015780.
Diamond-Blackfan anemia. Also called: Blackfan Diamond syndrome; Aregenerative anemia chronic congenital; Red cell aplasia, pure hereditary; Congenital hypoplastic anemia; Aase syndrome. Identifiers: Orphanet 124, MedGen C1260899, MeSH D029503, MONDO:0015253, HP:0004810.

Submissions (2):

Labcorp Genetics (formerly Invitae), Labcorp
Classification: Uncertain significance for Dyskeratosis congenita. Last evaluated: 2022-10-18. Review status: criteria provided, single submitter. Criteria: Invitae Variant Classification Sherloc (09022015). Collection method: clinical testing. Allele origin: germline.
Comment: A copy number gain of the genomic region encompassing the full coding sequence of the CTC1 gene has been identified. The boundaries of this event are unknown as they extend beyond the assayed region for this gene and therefore may encompass additional genes. As the precise location of this event is unknown, it may be in tandem or it may be located elsewhere in the genome. This variant has not been reported in the literature in individuals affected with CTC1-related conditions. In summary, the available evidence is currently insufficient to determine the role of this variant in disease. Therefore, it has been classified as a Variant of Uncertain Significance.

Labcorp Genetics (formerly Invitae), Labcorp
Classification: Uncertain significance for Diamond-Blackfan anemia. Last evaluated: 2022-10-18. Review status: criteria provided, single submitter. Criteria: Invitae Variant Classification Sherloc (09022015). Collection method: clinical testing. Allele origin: germline.
Comment: A copy number gain of the genomic region encompassing the full coding sequence of the RPL26 gene has been identified. The boundaries of this event are unknown as they extend beyond the assayed region for this gene and therefore may encompass additional genes. As the precise location of this event is unknown, it may be in tandem or it may be located elsewhere in the genome. This variant has not been reported in the literature in individuals affected with RPL26-related conditions. In summary, the available evidence is currently insufficient to determine the role of this variant in disease. Therefore, it has been classified as a Variant of Uncertain Significance.